The following is an entry in ClinVar:

NM_017827.4(SARS2):c.637G>A (p.Asp213Asn)

Gene: SARS2 (seryl-tRNA synthetase 2, mitochondrial; minus strand). Cytogenetic location: 19q13.2.
Variant type: single nucleotide variant.
Coding change: c.637G>A on transcript NM_017827.4 (MANE Select); coding-DNA position 637, G replaced by A.
Protein change: p.Asp213Asn; replaces aspartic acid 213 with asparagine.
Molecular consequence: missense variant.
Genome position (GRCh38, 1-based): chr19:38,920,102, C>T on the plus strand (G>A on the coding strand, the complement: SARS2 is on the minus strand). VCF-style: chr19-38920102-C-T. GRCh37 (hg19) VCF-style: chr19-39410742-C-T.
Other names: p.Asp215Asn; c.643G>A, p.Asp215Asn (NM_001145901.2); short protein forms D213N, D215N.
Identifiers: ClinVar variation 1196088 (VCV001196088.7), dbSNP rs151116675, ClinGen allele CA9423098.

ClinVar aggregate classification (germline): Uncertain significance. Review status: criteria provided, multiple submitters, no conflicts (2 of 4 stars). 4 submissions from 4 submitters: Uncertain significance (4). Last evaluated 2024-03-31.

Conditions:
Hyperuricemia, pulmonary hypertension, renal failure, alkalosis syndrome (HUPRAS). Also called: HYPERURICEMIA, PULMONARY HYPERTENSION, RENAL FAILURE, AND ALKALOSIS SYNDROME; HUPRA SYNDROME. Identifiers: Orphanet 363694, MedGen C3151209, MONDO:0013458, OMIM 613845.

Allele frequency attached by ClinVar (database versions not stated): gnomAD 0.00007 and 0.00008; ESP Exome Variant Server 0.00008; gnomAD exomes 0.00009 and 0.00016; TOPMed 0.00009; ExAC 0.00013.

Submissions (4):

Ambry Genetics
Classification: Uncertain significance. Last evaluated: 2024-03-31. Review status: criteria provided, single submitter. Criteria: Ambry Variant Classification Scheme 2023. Collection method: clinical testing. Allele origin: germline.

Mayo Clinic Laboratories, Mayo Clinic
Classification: Uncertain significance. Last evaluated: 2024-03-14. Review status: criteria provided, single submitter. Criteria: ACMG Guidelines, 2015. Collection method: clinical testing. Allele origin: germline. Observed: 1 variant allele.
Comment: BP4

GeneDx
Classification: Uncertain significance. Last evaluated: 2021-06-10. Review status: criteria provided, single submitter. Criteria: GeneDx Variant Classification Process June 2021. Collection method: clinical testing. Allele origin: germline. Affected: yes.
Comment: This variant is associated with the following publications: (PMID: 27535533)

Revvity Omics, Revvity
Classification: Uncertain significance for Hyperuricemia, pulmonary hypertension, renal failure, alkalosis syndrome. Last evaluated: 2019-10-22. Review status: criteria provided, single submitter. Criteria: ACMG Guidelines, 2015. Collection method: clinical testing. Allele origin: germline.